The following is an entry in ClinVar:

NM_005751.5(AKAP9):c.2866T>C (p.Ser956Pro)

Gene: AKAP9 (A-kinase anchoring protein 9; plus strand). Cytogenetic location: 7q21.2.
Variant type: single nucleotide variant.
Coding change: c.2866T>C on transcript NM_005751.5 (MANE Select); coding-DNA position 2866, T replaced by C.
Protein change: p.Ser956Pro; replaces serine 956 with proline.
Molecular consequence: missense variant.
Genome position (GRCh38, 1-based): chr7:92,002,783, T>C. VCF-style: chr7-92002783-T-C. GRCh37 (hg19) VCF-style: chr7-91632097-T-C.
Other names: c.2866T>C, p.Ser956Pro (NM_147185.3); short protein forms S956P.
Identifiers: ClinVar variation 1797003 (VCV001797003.3), dbSNP rs2484695320, ClinGen allele CA368125104.

ClinVar aggregate classification (germline): Uncertain significance. Review status: criteria provided, multiple submitters, no conflicts (2 of 4 stars). 2 submissions from 2 submitters: Uncertain significance (2). Last evaluated 2023-08-25.

Conditions:
Cardiovascular phenotype. Identifiers: MedGen CN230736.

Submissions (2):

Blueprint Genetics
Classification: Uncertain significance. Last evaluated: 2023-08-25. Review status: criteria provided, single submitter. Criteria: ACMG Guidelines, 2015. Collection method: clinical testing. Allele origin: germline.

Ambry Genetics
Classification: Uncertain significance for Cardiovascular phenotype. Last evaluated: 2022-01-30. Review status: criteria provided, single submitter. Criteria: Ambry Variant Classification Scheme 2023. Collection method: clinical testing. Allele origin: germline.
Comment: The p.S956P variant (also known as c.2866T>C), located in coding exon 8 of the AKAP9 gene, results from a T to C substitution at nucleotide position 2866. The serine at codon 956 is replaced by proline, an amino acid with similar properties. This amino acid position is conserved. In addition, this alteration is predicted to be tolerated by in silico analysis. Since supporting evidence is limited at this time, the clinical significance of this alteration remains unclear.